The following is an entry in ClinVar:

NM_000391.4(TPP1):c.1496C>T (p.Pro499Leu)

Gene: TPP1 (tripeptidyl peptidase 1; minus strand). Cytogenetic location: 11p15.4.
Variant type: single nucleotide variant.
Coding change: c.1496C>T on transcript NM_000391.4 (MANE Select); coding-DNA position 1496, C replaced by T.
Protein change: p.Pro499Leu; replaces proline 499 with leucine.
Molecular consequence: missense variant.
Genome position (GRCh38, 1-based): chr11:6,614,921, G>A on the plus strand (C>T on the coding strand, the complement: TPP1 is on the minus strand). VCF-style: chr11-6614921-G-A. GRCh37 (hg19) VCF-style: chr11-6636152-G-A.
Other names: short protein forms P499L.
Identifiers: ClinVar variation 408910 (VCV000408910.5), dbSNP rs773707856, ClinGen allele CA5858631.

ClinVar aggregate classification (germline): Uncertain significance. Review status: criteria provided, single submitter (1 of 4 stars). 2 submissions from 2 submitters: Uncertain significance (1). 1 of the submissions does not count toward it. Last evaluated 2021-11-27.

Conditions:
Neuronal ceroid lipofuscinosis 2. Also called: TPP1-Related Neuronal Ceroid-Lipofuscinosis; JANSKY-BIELSCHOWSKY DISEASE NEURONAL CEROID LIPOFUSCINOSIS, LATE INFANTILE. Identifiers: Orphanet 168491, Orphanet 228349, Orphanet 79264, MedGen C1876161, MONDO:0008769, OMIM 204500.

gnomAD v4.1: 4 of 1,614,142 alleles (0.00025%); highest among the groups gnomAD compares: South Asian, 0.0011%; no homozygotes.

Submissions (2):

Labcorp Genetics (formerly Invitae), Labcorp
Classification: Uncertain significance. Last evaluated: 2021-11-27. Review status: criteria provided, single submitter. Criteria: Invitae Variant Classification Sherloc (09022015). Collection method: clinical testing. Allele origin: germline.
Comment: This sequence change replaces proline, which is neutral and non-polar, with leucine, which is neutral and non-polar, at codon 499 of the TPP1 protein (p.Pro499Leu). This variant is present in population databases (rs773707856, gnomAD 0.0009%). This variant has not been reported in the literature in individuals affected with TPP1-related conditions. ClinVar contains an entry for this variant (Variation ID: 408910). Advanced modeling of protein sequence and biophysical properties (such as structural, functional, and spatial information, amino acid conservation, physicochemical variation, residue mobility, and thermodynamic stability) performed at Invitae indicates that this missense variant is expected to disrupt TPP1 protein function. In summary, the available evidence is currently insufficient to determine the role of this variant in disease. Therefore, it has been classified as a Variant of Uncertain Significance.

Natera, Inc.
Classification: Uncertain significance for Neuronal ceroid lipofuscinosis 2. Last evaluated: 2020-09-16. Review status: no assertion criteria provided. Collection method: clinical testing. Allele origin: germline. Not counted in ClinVar's aggregate classification.